The following is an entry in ClinVar:

NM_001148.6(ANK2):c.8020A>G (p.Lys2674Glu)

Gene: ANK2 (ankyrin 2; plus strand). Cytogenetic location: 4q26.
Variant type: single nucleotide variant.
Coding change: c.8020A>G on transcript NM_001148.6 (MANE Select); coding-DNA position 8020, A replaced by G.
Protein change: p.Lys2674Glu; replaces lysine 2674 with glutamic acid.
Molecular consequence: missense variant. On other transcripts: intron variant (68).
Genome position (GRCh38, 1-based): chr4:113,356,638, A>G. VCF-style: chr4-113356638-A-G. GRCh37 (hg19) VCF-style: chr4-114277794-A-G.
Other names: c.7786A>G, p.Lys2596Glu (NM_001386142.1); c.4420A>G, p.Lys1474Glu (NM_001386166.1); c.8161A>G, p.Lys2721Glu (NM_001386174.1); c.8137A>G, p.Lys2713Glu (NM_001386175.1); c.4412-4185A>G (NM_001386186.2, NM_001386148.2); c.4214-4185A>G (NM_001354269.3); c.4292-4185A>G (NM_001386187.2); c.4253-4185A>G (NM_001386147.1); and 35 more; short protein forms K2596E, K2674E, K2721E, K2713E, K1474E.
Identifiers: ClinVar variation 2000069 (VCV002000069.4), dbSNP rs2505802749, ClinGen allele CA357932870.

ClinVar aggregate classification (germline): Uncertain significance (1 of 4 stars; one submission).

Conditions:
Long QT syndrome (LQTS). Identifiers: MedGen C0023976, MeSH D008133, MONDO:0002442. Disease mechanism: loss of function. Inheritance: Various modes of inheritance.

Allele frequency attached by ClinVar (database versions not stated): gnomAD exomes below 0.00001.
gnomAD v4.1: 1 of 1,614,086 alleles (0.000062%); highest among the groups gnomAD compares: South Asian, 0.0011%; no homozygotes.

Submission:

Labcorp Genetics (formerly Invitae), Labcorp
Classification: Uncertain significance for Long QT syndrome. Last evaluated: 2022-05-28. Review status: criteria provided, single submitter. Criteria: Invitae Variant Classification Sherloc (09022015). Collection method: clinical testing. Allele origin: germline.
Comment: In summary, the available evidence is currently insufficient to determine the role of this variant in disease. Therefore, it has been classified as a Variant of Uncertain Significance. Algorithms developed to predict the effect of missense changes on protein structure and function output the following: SIFT: "Tolerated"; PolyPhen-2: "Benign"; Align-GVGD: "Class C0". The glutamic acid amino acid residue is found in multiple mammalian species, which suggests that this missense change does not adversely affect protein function. This variant has not been reported in the literature in individuals affected with ANK2-related conditions. This variant is not present in population databases (gnomAD no frequency). This sequence change replaces lysine, which is basic and polar, with glutamic acid, which is acidic and polar, at codon 2674 of the ANK2 protein (p.Lys2674Glu).